The following is an entry in ClinVar:

ClinVar aggregate classification (germline): Benign (1 of 4 stars; one submission).

Conditions:
Deficiency of acetyl-CoA acetyltransferase. Also called: Beta-ketothiolase deficiency; 3-KETOTHIOLASE DEFICIENCY; 3-OXOTHIOLASE DEFICIENCY; MITOCHONDRIAL ACETOACETYL-CoA THIOLASE DEFICIENCY. Identifiers: Orphanet 134, MedGen C1536500, MONDO:0008760, OMIM 203750. Disease mechanism: loss of function.

Allele frequency attached by ClinVar (database versions not stated): gnomAD 0.00975; TOPMed 0.00993; 1000 Genomes Project 30x 0.01296; 1000 Genomes Project 0.01098.

Submission:

Illumina Laboratory Services, Illumina
Classification: Benign for Deficiency of acetyl-CoA acetyltransferase. Last evaluated: 2018-01-12. Review status: criteria provided, single submitter. Criteria: ICSL Variant Classification Criteria 13 December 2019. Collection method: clinical testing. Allele origin: germline.
Comment: This variant was observed in the ICSL laboratory as part of a predisposition screen in an ostensibly healthy population. It had not been previously curated by ICSL or reported in the Human Gene Mutation Database (HGMD: prior to June 1st, 2018), and was therefore a candidate for classification through an automated scoring system. Utilizing variant allele frequency, disease prevalence and penetrance estimates, and inheritance mode, an automated score was calculated to assess if this variant is too frequent to cause the disease. Based on the score and internal cut-off values, a variant classified as benign is not then subjected to further curation. The score for this variant resulted in a classification of benign for this disease.

NM_000019.3(ACAT1):c.*293A>T

Gene: ACAT1 (acetyl-CoA acetyltransferase 1; plus strand). Cytogenetic location: 11q22.3.
Variant type: single nucleotide variant.
Coding change: c.*293A>T on transcript NM_000019.3; 293 bases downstream of the stop codon, A replaced by T.
Genome position (GRCh38, 1-based): chr11:108,147,683, A>T. VCF-style: chr11-108147683-A-T. GRCh37 (hg19) VCF-style: chr11-108018410-A-T.
Identifiers: ClinVar variation 302220 (VCV000302220.7), dbSNP rs73559273, ClinGen allele CA10636983.
Genomic context (GRCh38, chr11:108,147,683, plus strand): 5'-TCTGAGTCTATACTTATCGAAATATGGTAGAAATACCAATGTGTAATATTAGTGACTTAC[A>T]TAAGTAGCTAGAAGTTTCCATTTGTGAGAACACATTTATATTTTTGAGGATTGTTAAAGG-3'